The following is an entry in ClinVar:

NM_021072.4(HCN1):c.2571del (p.Pro858fs)

Gene: HCN1 (hyperpolarization activated cyclic nucleotide gated potassium channel 1; minus strand). Cytogenetic location: 5p12.
Variant type: Deletion.
Coding change: c.2571del on transcript NM_021072.4 (MANE Select); coding-DNA position 2571, one base deleted (T; older notation c.2571delT).
Protein change: p.Pro858fs; shifts the reading frame from proline 858.
Molecular consequence: frameshift variant.
Genome position (GRCh38, 1-based): chr5:45,262,023, A deleted on the plus strand (T on the coding strand, the reverse complement: HCN1 is on the minus strand). VCF-style (leftmost placement, unchanged base first): chr5-45262022-GA-G. GRCh37 (hg19) VCF-style: chr5-45262124-GA-G.
Other names: short protein forms P858fs.
Identifiers: ClinVar variation 1908298 (VCV001908298.5), dbSNP rs2478180854, ClinGen allele CA2580073306.

ClinVar aggregate classification (germline): Uncertain significance (1 of 4 stars; one submission).

Conditions:
Early-infantile DEE. Also called: Early infantile epileptic encephalopathy with suppression bursts; Early infantile epileptic encephalopathy; Ohtahara syndrome. Identifiers: Orphanet 1934, MedGen C0393706, MONDO:0800491.

Submission:

Labcorp Genetics (formerly Invitae), Labcorp
Classification: Uncertain significance for Early-infantile DEE. Last evaluated: 2022-08-21. Review status: criteria provided, single submitter. Criteria: Invitae Variant Classification Sherloc (09022015). Collection method: clinical testing. Allele origin: germline.
Comment: In summary, the available evidence is currently insufficient to determine the role of this variant in disease. Therefore, it has been classified as a Variant of Uncertain Significance. Experimental studies and prediction algorithms are not available or were not evaluated, and the functional significance of this variant is currently unknown. This variant has not been reported in the literature in individuals affected with HCN1-related conditions. This variant is not present in population databases (gnomAD no frequency). This sequence change creates a premature translational stop signal (p.Pro858Glnfs*18) in the HCN1 gene. While this is not anticipated to result in nonsense mediated decay, it is expected to disrupt the last 33 amino acid(s) of the HCN1 protein.